The following is an entry in ClinVar:

NM_004523.4(KIF11):c.2212G>A (p.Glu738Lys)

Gene: KIF11 (kinesin family member 11; plus strand). Cytogenetic location: 10q23.33.
Variant type: single nucleotide variant.
Coding change: c.2212G>A on transcript NM_004523.4 (MANE Select); coding-DNA position 2212, G replaced by A.
Protein change: p.Glu738Lys; replaces glutamic acid 738 with lysine.
Molecular consequence: missense variant.
Genome position (GRCh38, 1-based): chr10:92,639,845, G>A. VCF-style: chr10-92639845-G-A. GRCh37 (hg19) VCF-style: chr10-94399602-G-A.
Other names: short protein forms E738K.
Identifiers: ClinVar variation 1929928 (VCV001929928.5), dbSNP rs1844846286, ClinGen allele CA377593685.

ClinVar aggregate classification (germline): Uncertain significance (1 of 4 stars; one submission).

Allele frequency attached by ClinVar (database versions not stated): gnomAD exomes below 0.00001.
gnomAD v4.1: 2 of 1,611,942 alleles (0.00012%); highest among the groups gnomAD compares: African/African-American, 0.0013%; no homozygotes.

Submission:

Labcorp Genetics (formerly Invitae), Labcorp
Classification: Uncertain significance. Last evaluated: 2024-02-24. Review status: criteria provided, single submitter. Criteria: Invitae Variant Classification Sherloc (09022015). Collection method: clinical testing. Allele origin: germline.
Comment: This sequence change replaces glutamic acid, which is acidic and polar, with lysine, which is basic and polar, at codon 738 of the KIF11 protein (p.Glu738Lys). This variant is not present in population databases (gnomAD no frequency). This variant has not been reported in the literature in individuals affected with KIF11-related conditions. ClinVar contains an entry for this variant (Variation ID: 1929928). Advanced modeling of protein sequence and biophysical properties (such as structural, functional, and spatial information, amino acid conservation, physicochemical variation, residue mobility, and thermodynamic stability) performed at Invitae indicates that this missense variant is not expected to disrupt KIF11 protein function with a negative predictive value of 80%. In summary, the available evidence is currently insufficient to determine the role of this variant in disease. Therefore, it has been classified as a Variant of Uncertain Significance.